The following is an entry in ClinVar:

NM_000317.3(PTS):c.121G>A (p.Gly41Arg)

Gene: PTS (6-pyruvoyltetrahydropterin synthase; plus strand). Cytogenetic location: 11q23.1.
Variant type: single nucleotide variant.
Coding change: c.121G>A on transcript NM_000317.3 (MANE Select); coding-DNA position 121, G replaced by A.
Protein change: p.Gly41Arg; replaces glycine 41 with arginine.
Molecular consequence: missense variant.
Genome position (GRCh38, 1-based): chr11:112,228,631, G>A. VCF-style: chr11-112228631-G-A. GRCh37 (hg19) VCF-style: chr11-112099354-G-A.
Other names: short protein forms G41R.
Identifiers: ClinVar variation 879173 (VCV000879173.7), dbSNP rs372852903, ClinGen allele CA6278467.
Genomic context (GRCh38, chr11:112,228,631, plus strand): 5'-CTTTTTTTTTTTTTTTTGGTCAGTAAATTTCTAAGTGATGAAGAAAACTTGAAACTGTTT[G>A]GGAAATGCAACAATCCAAATGGCCATGGGCACAATTATAAAGGTGAGAGAAAAACTGATG-3'
Protein context (NP_000308.1, residues 31-51): LSDEENLKLF[Gly41Arg]KCNNPNGHGH

ClinVar aggregate classification (germline): Conflicting classifications of pathogenicity. Review status: criteria provided, conflicting classifications (1 of 4 stars). 3 submissions from 3 submitters: Uncertain significance (2); Likely benign (1). Last evaluated 2026-02-19.

Conditions:
6-Pyruvoyl-tetrahydrobiopterin synthase deficiency. Also called: PTS-Related Tetrahydrobiopterin Deficiency; PTS DEFICIENCY; HYPERPHENYLALANINEMIA, TETRAHYDROBIOPTERIN-DEFICIENT, DUE TO PTS DEFICIENCY; BH4-deficient hyperphenylalaninemia A; Hyperphenylalanemia, BH4-deficient, A; Hyperphenylalaninemia due to 6-pyruvoyl-tetrahydropterin synthase deficiency. Identifiers: Orphanet 13, Orphanet 238583, MedGen C0878676, MONDO:0009863, OMIM 261640.

Allele frequency attached by ClinVar (database versions not stated): ExAC 0.00001; gnomAD exomes 0.00001; TOPMed 0.00004; ESP Exome Variant Server 0.00008.

Submissions (3):

Myriad Genetics, Inc.
Classification: Uncertain significance for 6-Pyruvoyl-tetrahydrobiopterin synthase deficiency. Last evaluated: 2026-02-19. Review status: criteria provided, single submitter. Criteria: Myriad Autosomal Dominant, Autosomal Recessive and X-Linked Classification Criteria (2023). Collection method: clinical testing. Allele origin: unknown.
Comment: NM_000317.2(PTS):c.121G>A(G41R) is a missense variant classified as a variant of uncertain significance in the context of 6-pyruvoyl-tetrahydropterin synthase deficiency. G41R has not been observed in cases with relevant disease. Relevant functional assessments of this variant are not available in the literature. G41R has been observed in referenced population frequency databases. In summary, there is insufficient evidence to classify NM_000317.2(PTS):c.121G>A(G41R) as pathogenic or benign. Please note: this variant was assessed in the context of healthy population screening.

Women's Health and Genetics/Laboratory Corporation of America, LabCorp
Classification: Uncertain significance. Last evaluated: 2025-04-14. Review status: criteria provided, single submitter. Criteria: LabCorp Variant Classification Summary - May 2015. Collection method: clinical testing. Allele origin: germline.
Comment: Variant summary: PTS c.121G>A (p.Gly41Arg) results in a non-conservative amino acid change in the encoded protein sequence. Five of five in-silico tools predict a damaging effect of the variant on protein function. The variant allele was found at a frequency of 8.1e-06 in 247980 control chromosomes (gnomAD). The available data on variant occurrences in the general population are insufficient to allow any conclusion about variant significance. c.121G>A has been observed in individual(s) affected with psychiatric symptoms (Sriretnakumar_2024). This report however, does not provide unequivocal conclusions about association of the variant with 6-Pyruvoyl-Tetrahydropterin Synthase Deficiency. To our knowledge, no experimental evidence demonstrating an impact on protein function has been reported. The following publication has been ascertained in the context of this evaluation (PMID: 38532509). ClinVar contains an entry for this variant (Variation ID: 879173). Based on the evidence outlined above, the variant was classified as uncertain significance.

Illumina Laboratory Services, Illumina
Classification: Likely benign for 6-Pyruvoyl-tetrahydrobiopterin synthase deficiency. Last evaluated: 2017-04-27. Review status: criteria provided, single submitter. Criteria: ICSL Variant Classification Criteria 13 December 2019. Collection method: clinical testing. Allele origin: germline.
Comment: This variant was observed as part of a predisposition screen in an ostensibly healthy population. A literature search was performed for the gene, cDNA change, and amino acid change (where applicable). No publications were found based on this search. Allele frequency data from public databases allowed determination this variant is unlikely to cause disease. Therefore, this variant is classified as likely benign.

Literature cited by the submitters: PubMed 38532509 (cited by Women's Health and Genetics/Laboratory Corporation of America, LabCorp).